The following is an entry in ClinVar:

ClinVar aggregate classification (germline): Uncertain significance (1 of 4 stars; one submission).

Submission:

Labcorp Genetics (formerly Invitae), Labcorp
Classification: Uncertain significance. Last evaluated: 2024-09-03. Review status: criteria provided, single submitter. Criteria: Invitae Variant Classification Sherloc (09022015). Collection method: clinical testing. Allele origin: germline.
Comment: This sequence change results in a frameshift in the ICOSLG gene (p.Ser293Argfs*23). While this is not anticipated to result in nonsense mediated decay, it is expected to disrupt the last 10 amino acid(s) of the ICOSLG protein and extend the protein by 12 additional amino acid residues. This variant is not present in population databases (gnomAD no frequency). This variant has not been reported in the literature in individuals affected with ICOSLG-related conditions. In summary, the available evidence is currently insufficient to determine the role of this variant in disease. Therefore, it has been classified as a Variant of Uncertain Significance.

NM_015259.6(ICOSLG):c.876_879del (p.Ser293fs)

Gene: ICOSLG (inducible T cell costimulator ligand; minus strand). Cytogenetic location: 21q22.3.
Variant type: Deletion.
Coding change: c.876_879del on transcript NM_015259.6 (MANE Select); coding-DNA positions 876 to 879, 4 bases deleted (GAGT; older notation c.876_879delGAGT).
Protein change: p.Ser293fs; shifts the reading frame from serine 293.
Molecular consequence: frameshift variant.
Genome position (GRCh38, 1-based): chr21:44,230,073-44,230,076, ACTC deleted on the plus strand (GAGT on the coding strand, the reverse complement: ICOSLG is on the minus strand); deleting any 4 consecutive bases within chr21:44,230,073-44,230,078 gives the same sequence; the c. name uses the placement nearest the transcript's 3' end. VCF-style (leftmost placement, unchanged base first): chr21-44230072-GACTC-G. GRCh37 (hg19) VCF-style: chr21-45649955-GACTC-G.
Other names: c.876_879del, p.Ser293fs (NM_001283050.2, NM_001395918.1); c.525_528del, p.Ser176fs (NM_001283051.2); c.621_624del, p.Ser208fs (NM_001283052.2); c.795_798del, p.Ser266fs (NM_001365759.2); short protein forms S208fs, S266fs, S176fs, S293fs.
Identifiers: ClinVar variation 3673399 (VCV003673399.2).